The following is an entry in ClinVar:

NM_003982.4(SLC7A7):c.1095+188_1095+198del

Gene: SLC7A7 (solute carrier family 7 member 7; minus strand). Cytogenetic location: 14q11.2.
Variant type: Deletion.
Coding change: c.1095+188_1095+198del on transcript NM_003982.4 (MANE Select); bases 188 to 198 of the intron after coding-DNA position 1095, 11 bases deleted (GAATGGTACAC).
Molecular consequence: intron variant.
Genome position (GRCh38, 1-based): chr14:22,775,246-22,775,256, GTGTACCATTC deleted on the plus strand (GAATGGTACAC on the coding strand, the reverse complement: SLC7A7 is on the minus strand). VCF-style (leftmost placement, unchanged base first): chr14-22775245-GGTGTACCATTC-G. GRCh37 (hg19) VCF-style: chr14-23244454-GGTGTACCATTC-G.
Other names: c.1095+188_1095+198del (NM_001126106.4, NM_001126105.3); c.1095+188_1095+198del11 (NM_001126106.2).
Identifiers: ClinVar variation 671548 (VCV000671548.1), dbSNP rs374608281, ClinGen allele CA257725631.

ClinVar aggregate classification (germline): Benign (1 of 4 stars; one submission).

Allele frequency attached by ClinVar (database versions not stated): 1000 Genomes Project 30x 0.08401; 1000 Genomes Project 0.08566; gnomAD 0.10486 and 0.10487.

Submission:

GeneDx
Classification: Benign. Last evaluated: 2018-06-19. Review status: criteria provided, single submitter. Criteria: GeneDx Variant Classification (06012015). Collection method: clinical testing. Allele origin: germline. Affected: yes.
Comment: This variant is considered likely benign or benign based on one or more of the following criteria: it is a conservative change, it occurs at a poorly conserved position in the protein, it is predicted to be benign by multiple in silico algorithms, and/or has population frequency not consistent with disease.